The following is an entry in ClinVar:

ClinVar aggregate classification (germline): Likely benign. Review status: criteria provided, multiple submitters, no conflicts (2 of 4 stars). 4 submissions from 4 submitters: Likely benign (4). Last evaluated 2024-12-07.

Conditions:
Polycystic liver disease 1 (PCLD1). Also called: Polycystic liver disease 1 with or without kidney cysts. Identifiers: Orphanet 2924, MedGen C0887850, MONDO:0008265, OMIM 174050.

Allele frequency attached by ClinVar (database versions not stated): TOPMed 0.00004; ESP Exome Variant Server 0.00008; ExAC 0.00012; gnomAD 0.00013.
gnomAD v4.1: 161 of 1,613,608 alleles (0.01%); highest among the groups gnomAD compares: Middle Eastern, 0.099%; no homozygotes.

Submissions (4):

Labcorp Genetics (formerly Invitae), Labcorp
Classification: Likely benign. Last evaluated: 2024-12-07. Review status: criteria provided, single submitter. Criteria: Invitae Variant Classification Sherloc (09022015). Collection method: clinical testing. Allele origin: germline.

Blueprint Genetics
Classification: Likely benign. Last evaluated: 2024-11-28. Review status: criteria provided, single submitter. Criteria: ACMG Guidelines, 2015. Collection method: clinical testing. Allele origin: germline.

Fulgent Genetics
Classification: Likely benign for Polycystic liver disease 1. Last evaluated: 2021-10-28. Review status: criteria provided, single submitter. Criteria: ACMG Guidelines, 2015. Collection method: clinical testing. Allele origin: unknown.

Illumina Laboratory Services, Illumina
Classification: Likely benign for Polycystic liver disease 1. Last evaluated: 2018-01-13. Review status: criteria provided, single submitter. Criteria: ICSL Variant Classification Criteria 13 December 2019. Collection method: clinical testing. Allele origin: germline.
Comment: This variant was observed in the ICSL laboratory as part of a predisposition screen in an ostensibly healthy population. It had not been previously curated by ICSL or reported in the Human Gene Mutation Database (HGMD: prior to June 1st, 2018), and was therefore a candidate for classification through an automated scoring system. Utilizing variant allele frequency, disease prevalence and penetrance estimates, and inheritance mode, an automated score was calculated to assess if this variant is too frequent to cause the disease. Based on the score and internal cut-off values, a variant classified as likely benign is not then subjected to further curation. The score for this variant resulted in a classification of likely benign for this disease.

NM_001289104.2(PRKCSH):c.1392C>T (p.His464=)

Gene: PRKCSH (PRKCSH beta subunit of glucosidase II; plus strand). Cytogenetic location: 19p13.2.
Variant type: single nucleotide variant.
Coding change: c.1392C>T on transcript NM_001289104.2 (MANE Select); coding-DNA position 1392, C replaced by T.
Protein change: p.His464=; no amino-acid change (histidine 464 retained).
Molecular consequence: synonymous variant.
Genome position (GRCh38, 1-based): chr19:11,449,106, C>T. VCF-style: chr19-11449106-C-T. GRCh37 (hg19) VCF-style: chr19-11559921-C-T.
Other names: c.1362C>T, p.His454= (NM_001001329.3, NM_001289102.2, NM_001379609.1); c.1392C>T, p.His464= (NM_001289103.2); c.1371C>T, p.His457= (NM_001379608.1, NM_002743.3).
Identifiers: ClinVar variation 328195 (VCV000328195.11), dbSNP rs200928002, ClinGen allele CA9213315.